The following is an entry in ClinVar:

NM_007194.4(CHEK2):c.1186C>G (p.Leu396Val)

Gene: CHEK2 (checkpoint kinase 2; minus strand). Cytogenetic location: 22q12.1.
Variant type: single nucleotide variant.
Coding change: c.1186C>G on transcript NM_007194.4 (MANE Select); coding-DNA position 1186, C replaced by G.
Protein change: p.Leu396Val; replaces leucine 396 with valine.
Molecular consequence: missense variant.
Genome position (GRCh38, 1-based): chr22:28,695,783, G>C on the plus strand (C>G on the coding strand, the complement: CHEK2 is on the minus strand). VCF-style: chr22-28695783-G-C. GRCh37 (hg19) VCF-style: chr22-29091771-G-C.
Other names: c.1315C>G, p.Leu439Val (NM_001005735.3); c.523C>G, p.Leu175Val (NM_001257387.3); c.985C>G, p.Leu329Val (NM_001349956.3); c.1099C>G, p.Leu367Val (NM_145862.3); short protein forms L396V, L367V, L175V, L329V, L439V.
Identifiers: ClinVar variation 279767 (VCV000279767.26), dbSNP rs886041172, ClinGen allele CA10603510.

ClinVar aggregate classification (germline): Conflicting classifications of pathogenicity. Review status: criteria provided, conflicting classifications (1 of 4 stars). 5 submissions from 5 submitters: Uncertain significance (4); Likely benign (1). Last evaluated 2025-05-01.

Conditions:
Hereditary cancer-predisposing syndrome. Also called: Tumor predisposition; Hereditary Cancer Syndrome; Neoplastic Syndromes, Hereditary; Hereditary neoplastic syndrome. Identifiers: Orphanet 140162, MedGen C0027672, MeSH D009386, MONDO:0015356.
Hereditary breast ovarian cancer syndrome. Also called: Hereditary breast and ovarian cancer syndrome; Hereditary breast and ovarian cancer; Hereditary breast and ovarian cancer syndrome (HBOC); BRCA1- and BRCA2-Associated Hereditary Breast and Ovarian Cancer; Hereditary breast and/or ovarian cancer syndrome; Breast and ovarian cancer. Identifiers: Orphanet 145, MedGen C0677776, MeSH D061325, MONDO:0003582. Disease mechanism: loss of function.
Familial cancer of breast. Also called: BREAST CANCER, FAMILIAL; Hereditary breast cancer; hereditary breast carcinoma. Identifiers: Orphanet 227535, MedGen C0346153, MONDO:0016419, OMIM 114480. Disease mechanism: loss of function.

Allele frequency attached by ClinVar (database versions not stated): gnomAD 0.00001; gnomAD exomes 0.00001; TOPMed 0.00001.
gnomAD v4.1: 9 of 1,613,772 alleles (0.00056%); highest among the groups gnomAD compares: Non-Finnish European, 0.00076%; no homozygotes.

Submissions (5):

CeGaT Center for Human Genetics Tuebingen
Classification: Uncertain significance. Last evaluated: 2025-05-01. Review status: criteria provided, single submitter. Criteria: CeGaT Center For Human Genetics Tuebingen Variant Classification Criteria Version 2. Collection method: clinical testing. Allele origin: germline. Affected: yes. Observed: 1 variant allele.
Comment: CHEK2: PM2, BP4, BS3:Supporting

Labcorp Genetics (formerly Invitae), Labcorp
Classification: Uncertain significance for Familial cancer of breast. Last evaluated: 2025-04-01. Review status: criteria provided, single submitter. Criteria: Invitae Variant Classification Sherloc (09022015). Collection method: clinical testing. Allele origin: germline.
Comment: This sequence change replaces leucine, which is neutral and non-polar, with valine, which is neutral and non-polar, at codon 396 of the CHEK2 protein (p.Leu396Val). This variant is not present in population databases (gnomAD no frequency). This missense change has been observed in individual(s) with CHEK2-related conditions (PMID: 34326862). ClinVar contains an entry for this variant (Variation ID: 279767). An algorithm developed to predict the effect of missense changes on protein structure and function outputs the following: PolyPhen-2: "Benign". The valine amino acid residue is found in multiple mammalian species, which suggests that this missense change does not adversely affect protein function. In summary, the available evidence is currently insufficient to determine the role of this variant in disease. Therefore, it has been classified as a Variant of Uncertain Significance.

German Consortium for Hereditary Breast and Ovarian Cancer, University Hospital Cologne
Classification: Likely benign for Hereditary breast ovarian cancer syndrome. Last evaluated: 2025-03-11. Review status: criteria provided, single submitter. Criteria: ACMG Guidelines, 2015. Collection method: curation. Allele origin: germline.
Comment: According to the ACMG SVI adaptation criteria we chose these criteria: PM2 (supporting pathogenic): gnomAD v4.0: 9x het, MAF 0,0006%, BP4 (supporting benign): REVEL: 0.235, BS3 (supporting benign): Stolarova (2023, PMID: 37449874): benign via CHK2 & KAP1 assay

Ambry Genetics
Classification: Uncertain significance for Hereditary cancer-predisposing syndrome. Last evaluated: 2024-01-18. Review status: criteria provided, single submitter. Criteria: Ambry Variant Classification Scheme 2023. Collection method: clinical testing. Allele origin: germline.
Comment: The p.L396V variant (also known as c.1186C>G), located in coding exon 10 of the CHEK2 gene, results from a C to G substitution at nucleotide position 1186. The leucine at codon 396 is replaced by valine, an amino acid with highly similar properties. This alteration has been reported in at least one breast cancer patient in a study of 13087 breast cancer cases and 5488 control individuals in the UK (Decker B et al. J Med Genet, 2017 11;54:732-741). This alteration was reported as functional in a study assessing CHEK2-complementation through quantification of KAP1 phosphorylation and CHK2 autophosphorylation in human RPE1-CHEK2-knockout cells (Stolarova L et al. Clin Cancer Res, 2023 Aug;29:3037-3050). This amino acid position is well conserved in available vertebrate species. In addition, this alteration is predicted to be tolerated by in silico analysis. Based on the available evidence, the clinical significance of this alteration remains unclear.

GeneDx
Classification: Uncertain significance. Last evaluated: 2023-06-04. Review status: criteria provided, single submitter. Criteria: GeneDx Variant Classification Process June 2021. Collection method: clinical testing. Allele origin: germline. Affected: yes.
Comment: Not observed at significant frequency in large population cohorts (gnomAD); In silico analysis supports that this missense variant does not alter protein structure/function; Observed in an individual with breast cancer (Decker et al., 2017); This variant is associated with the following publications: (PMID: 19782031, 22419737, 28779002)

Literature cited by the submitters: PubMed 34326862 (cited by Labcorp Genetics (formerly Invitae), Labcorp); PubMed 28779002 (cited by Ambry Genetics); PubMed 37449874 (cited by Ambry Genetics).